The following is an entry in ClinVar:

ClinVar aggregate classification (germline): Uncertain significance (1 of 4 stars; one submission).

gnomAD v4.1: 6 of 1,210,889 alleles (0.0005%); highest among the groups gnomAD compares: South Asian, 0.0018%; no homozygotes.

Submission:

CeGaT Center for Human Genetics Tuebingen
Classification: Uncertain significance. Last evaluated: 2026-04-01. Review status: criteria provided, single submitter. Criteria: CeGaT Center For Human Genetics Tuebingen Variant Classification Criteria Version 2. Collection method: clinical testing. Allele origin: germline. Affected: yes. Observed: 1 variant allele.
Comment: CDK16: PM2

NM_006201.5(CDK16):c.1098G>A (p.Thr366=)

Gene: CDK16 (cyclin dependent kinase 16; plus strand). Cytogenetic location: Xp11.3.
Variant type: single nucleotide variant.
Coding change: c.1098G>A on transcript NM_006201.5 (MANE Select); coding-DNA position 1098, G replaced by A.
Protein change: p.Thr366=; no amino-acid change (threonine 366 retained).
Molecular consequence: synonymous variant.
Genome position (GRCh38, 1-based): chrX:47,226,872, G>A. VCF-style: chrX-47226872-G-A. GRCh37 (hg19) VCF-style: chrX-47086271-G-A.
Other names: c.1320G>A, p.Thr440= (NM_001170460.2); c.1239G>A, p.Thr413= (NM_001440783.1); c.1227G>A, p.Thr409= (NM_001440784.1); c.1116G>A, p.Thr372= (NM_001440785.1, NM_033018.4); c.1098G>A, p.Thr366= (NM_001440786.1).
Identifiers: ClinVar variation 4872328 (VCV004872328.2).